The following is an entry in ClinVar:

ClinVar aggregate classification (germline): Uncertain significance (1 of 4 stars; one submission).

Submission:

Ambry Genetics
Classification: Uncertain significance. Last evaluated: 2021-06-13. Review status: criteria provided, single submitter. Criteria: Ambry Variant Classification Scheme 2023. Collection method: clinical testing. Allele origin: germline.
Comment: The p.K1047R variant (also known as c.3140A>G), located in coding exon 4 of the ALPK2 gene, results from an A to G substitution at nucleotide position 3140. The lysine at codon 1047 is replaced by arginine, an amino acid with highly similar properties. This amino acid position is conserved. In addition, this alteration is predicted to be tolerated by in silico analysis. Since supporting evidence is limited at this time, the clinical significance of this alteration remains unclear.

NM_052947.4(ALPK2):c.3140A>G (p.Lys1047Arg)

Gene: ALPK2 (alpha kinase 2; minus strand). Cytogenetic location: 18q21.31.
Variant type: single nucleotide variant.
Coding change: c.3140A>G on transcript NM_052947.4 (MANE Select); coding-DNA position 3140, A replaced by G.
Protein change: p.Lys1047Arg; replaces lysine 1047 with arginine.
Molecular consequence: missense variant.
Genome position (GRCh38, 1-based): chr18:58,537,047, T>C on the plus strand (A>G on the coding strand, the complement: ALPK2 is on the minus strand). VCF-style: chr18-58537047-T-C. GRCh37 (hg19) VCF-style: chr18-56204279-T-C.
Other names: short protein forms K1047R.
Identifiers: ClinVar variation 1728085 (VCV001728085.2), dbSNP rs2518876842, ClinGen allele CA402569021.